The following is an entry in ClinVar:

NM_015915.5(ATL1):c.1552G>A (p.Gly518Arg)

Gene: ATL1 (atlastin GTPase 1; plus strand). Cytogenetic location: 14q22.1.
Variant type: single nucleotide variant.
Coding change: c.1552G>A on transcript NM_015915.5 (MANE Select); coding-DNA position 1552, G replaced by A.
Protein change: p.Gly518Arg; replaces glycine 518 with arginine.
Molecular consequence: missense variant. On other transcripts: intron variant (2).
Genome position (GRCh38, 1-based): chr14:50,629,995, G>A. VCF-style: chr14-50629995-G-A. GRCh37 (hg19) VCF-style: chr14-51096713-G-A.
Other names: c.1551+1533G>A (NM_001127713.1, NM_181598.4); short protein forms G518R.
Identifiers: ClinVar variation 2998619 (VCV002998619.3), dbSNP rs2504583512, ClinGen allele CA389677198.
Genomic context (GRCh38, chr14:50,629,995, plus strand): 5'-GCTGTTAATAAAGCAGGATATATACTTTTCTTTTTTCTTTTTAATCTGCCTTTGCCACAG[G>A]GAAGTACAAATGAGGTAAGTTAAATTTTTTAAAATTCAGAGCTATGTATGTGTAAACATT-3'
Protein context (NP_056999.2, residues 508-528): DQVAAALWDQ[Gly518Arg]STNEALYKLY

ClinVar aggregate classification (germline): Uncertain significance (1 of 4 stars; one submission).

Conditions:
Hereditary spastic paraplegia 3A (SPG3A). Also called: SPASTIC PARAPLEGIA 3, AUTOSOMAL DOMINANT; FAMILIAL SPASTIC PARAPLEGIA, AUTOSOMAL DOMINANT, 1; SPG3; STRUMPELL DISEASE; Spastic Paraplegia 3A; Spastic paraplegia 3A, autosomal dominant. Identifiers: Orphanet 100984, MedGen C2931355, MONDO:0008437, OMIM 182600.

Allele frequency attached by ClinVar (database versions not stated): gnomAD exomes below 0.00001.
gnomAD v4.1: 1 of 1,593,546 alleles (0.000063%); highest among the groups gnomAD compares: Non-Finnish European, 0.000086%; no homozygotes.

Submission:

Labcorp Genetics (formerly Invitae), Labcorp
Classification: Uncertain significance for Hereditary spastic paraplegia 3A. Last evaluated: 2024-02-17. Review status: criteria provided, single submitter. Criteria: Invitae Variant Classification Sherloc (09022015). Collection method: clinical testing. Allele origin: germline.
Comment: This sequence change replaces glycine, which is neutral and non-polar, with arginine, which is basic and polar, at codon 518 of the ATL1 protein (p.Gly518Arg). This variant is not present in population databases (gnomAD no frequency). This variant has not been reported in the literature in individuals affected with ATL1-related conditions. An algorithm developed to predict the effect of missense changes on protein structure and function (PolyPhen-2) suggests that this variant is likely to be tolerated. In summary, the available evidence is currently insufficient to determine the role of this variant in disease. Therefore, it has been classified as a Variant of Uncertain Significance.